The following is an entry in ClinVar:

ClinVar aggregate classification (germline): Uncertain significance (1 of 4 stars; one submission).

Conditions:
Congenital muscular hypertrophy-cerebral syndrome (CDLS2). Also called: SMC1A-Related Cornelia de Lange Syndrome; Cornelia de Lange syndrome 2. Identifiers: Orphanet 199, MedGen C1802395, MONDO:0010370, OMIM 300590.

gnomAD v4.1: 2 of 1,167,386 alleles (0.00017%); highest among the groups gnomAD compares: East Asian, 0.0059%; no homozygotes.

Submission:

Labcorp Genetics (formerly Invitae), Labcorp
Classification: Uncertain significance for Congenital muscular hypertrophy-cerebral syndrome. Last evaluated: 2025-02-16. Review status: criteria provided, single submitter. Criteria: Invitae Variant Classification Sherloc (09022015). Collection method: clinical testing. Allele origin: germline.
Comment: This sequence change affects codon 36 of the SMC1A mRNA. It is a 'silent' change, meaning that it does not change the encoded amino acid sequence of the SMC1A protein. It affects a nucleotide within the consensus splice site. This variant is present in population databases (no rsID available, gnomAD 0.02%). This variant has not been reported in the literature in individuals affected with SMC1A-related conditions. Algorithms developed to predict the effect of sequence changes on RNA splicing suggest that this variant is not likely to affect RNA splicing. In summary, the available evidence is currently insufficient to determine the role of this variant in disease. Therefore, it has been classified as a Variant of Uncertain Significance.

NM_006306.4(SMC1A):c.108T>A (p.Ser36=)

Gene: SMC1A (structural maintenance of chromosomes 1A; minus strand). Cytogenetic location: Xp11.22.
Variant type: single nucleotide variant.
Coding change: c.108T>A on transcript NM_006306.4 (MANE Select); coding-DNA position 108, T replaced by A.
Protein change: p.Ser36=; no amino-acid change (serine 36 retained).
Molecular consequence: synonymous variant. On other transcripts: 5 prime UTR variant (1).
Genome position (GRCh38, 1-based): chrX:53,422,493, A>T on the plus strand (T>A on the coding strand, the complement: SMC1A is on the minus strand). VCF-style: chrX-53422493-A-T. GRCh37 (hg19) VCF-style: chrX-53449442-A-T.
Other names: c.-105T>A (NM_001281463.1).
Identifiers: ClinVar variation 4780289 (VCV004780289.1).